The following is an entry in ClinVar:

ClinVar aggregate classification (germline): Uncertain significance. Review status: criteria provided, multiple submitters, no conflicts (2 of 4 stars). 7 submissions from 7 submitters: Uncertain significance (6). 1 of the submissions does not count toward it. Last evaluated 2024-07-16.

Conditions:
Familial adenomatous polyposis 1 (FAP1). Also called: POLYPOSIS, ADENOMATOUS INTESTINAL; FAMILIAL ADENOMATOUS POLYPOSIS 1, ATTENUATED. Identifiers: MedGen C2713442, MONDO:0021056, OMIM 175100. Disease mechanism: loss of function.
Hereditary cancer-predisposing syndrome. Also called: Tumor predisposition; Hereditary Cancer Syndrome; Hereditary neoplastic syndrome; Neoplastic Syndromes, Hereditary. Identifiers: Orphanet 140162, MedGen C0027672, MeSH D009386, MONDO:0015356.
Familial colorectal cancer. Identifiers: MedGen CN280943, MONDO:0023113. Disease mechanism: loss of function.

Allele frequency attached by ClinVar (database versions not stated): ExAC 0.00015.

Submissions (7):

Labcorp Genetics (formerly Invitae), Labcorp
Classification: Uncertain significance for Familial adenomatous polyposis 1. Last evaluated: 2024-07-16. Review status: criteria provided, single submitter. Criteria: Invitae Variant Classification Sherloc (09022015). Collection method: clinical testing. Allele origin: germline.
Comment: This sequence change replaces arginine, which is basic and polar, with glycine, which is neutral and non-polar, at codon 2505 of the APC protein (p.Arg2505Gly). The frequency data for this variant in the population databases is considered unreliable, as metrics indicate poor data quality at this position in the gnomAD database. This variant has not been reported in the literature in individuals affected with APC-related conditions. ClinVar contains an entry for this variant (Variation ID: 82635). Advanced modeling of protein sequence and biophysical properties (such as structural, functional, and spatial information, amino acid conservation, physicochemical variation, residue mobility, and thermodynamic stability) performed at Invitae indicates that this missense variant is not expected to disrupt APC protein function with a negative predictive value of 95%. In summary, the available evidence is currently insufficient to determine the role of this variant in disease. Therefore, it has been classified as a Variant of Uncertain Significance.

Baylor Genetics
Classification: Uncertain significance for Familial adenomatous polyposis 1. Last evaluated: 2024-03-20. Review status: criteria provided, single submitter. Criteria: ACMG Guidelines, 2015. Collection method: clinical testing. Allele origin: unknown.

Color Diagnostics, LLC DBA Color Health
Classification: Uncertain significance for Hereditary cancer-predisposing syndrome. Last evaluated: 2023-12-05. Review status: criteria provided, single submitter. Criteria: ACMG Guidelines, 2015. Collection method: clinical testing. Allele origin: germline.
Comment: This missense variant replaces arginine with glycine at codon 2505 of the APC protein. Computational prediction is inconclusive regarding the impact of this variant on protein structure and function (internally defined REVEL score threshold 0.5 < inconclusive < 0.7, PMID: 27666373). To our knowledge, functional studies have not been reported for this variant. This variant has not been reported in individuals affected with APC-related disorders in the literature. This variant has not been identified in the general population by the Genome Aggregation Database (gnomAD). The available evidence is insufficient to determine the role of this variant in disease conclusively. Therefore, this variant is classified as a Variant of Uncertain Significance.

Ambry Genetics
Classification: Uncertain significance for Hereditary cancer-predisposing syndrome. Last evaluated: 2022-12-29. Review status: criteria provided, single submitter. Criteria: Ambry Variant Classification Scheme 2023. Collection method: clinical testing. Allele origin: germline.
Comment: The p.R2505G variant (also known as c.7513C>G), located in coding exon 15 of the APC gene, results from a C to G substitution at nucleotide position 7513. The arginine at codon 2505 is replaced by glycine, an amino acid with dissimilar properties. This amino acid position is conserved. In addition, in silico predictors for this gene do not accurately predict pathogenicity. Since supporting evidence is limited at this time, the clinical significance of this alteration remains unclear.

St. Jude Molecular Pathology, St. Jude Children's Research Hospital
Classification: Uncertain significance for Familial adenomatous polyposis 1. Last evaluated: 2021-08-03. Review status: criteria provided, single submitter. Criteria: St. Jude Assertion Criteria 2020. Collection method: clinical testing. Allele origin: germline.

Sema4
Classification: Uncertain significance for Hereditary cancer-predisposing syndrome. Last evaluated: 2021-06-28. Review status: criteria provided, single submitter. Criteria: Sema4 Curation Guidelines. Collection method: curation. Allele origin: germline.
Comment: The APC c.7513C>G (p.R2505G) variant has not been reported in the literature to our knowledge. It was not observed in the large and broad cohorts of the Genome Aggregation Database (PMID: 32461654) but has been reported in ClinVar (Variation ID 82635). In silico tools suggest the impact of the variant on protein function is inconclusive, though these predictions have not been confirmed by functional studies. The evidence is insufficient to meet ACMG/AMP criteria for classifying the variant as benign or pathogenic. Thus, the clinical significance of this variant is currently uncertain.

Systems Biology Platform Zhejiang California International NanoSystems Institute
Classification: other for Familial colorectal cancer. Review status: no assertion criteria provided. Collection method: not provided. Allele origin: unknown. Not counted in ClinVar's aggregate classification.
ClinVar note: Converted during submission from cancer to other.

NM_000038.6(APC):c.7513C>G (p.Arg2505Gly)

Gene: APC (APC regulator of Wnt signaling pathway; plus strand). Cytogenetic location: 5q22.2.
Variant type: single nucleotide variant.
Coding change: c.7513C>G on transcript NM_000038.6 (MANE Select); coding-DNA position 7513, C replaced by G.
Protein change: p.Arg2505Gly; replaces arginine 2505 with glycine.
Molecular consequence: missense variant.
Genome position (GRCh38, 1-based): chr5:112,843,107, C>G. VCF-style: chr5-112843107-C-G. GRCh37 (hg19) VCF-style: chr5-112178804-C-G.
Other names: c.7513C>G, p.Arg2505Gly (NM_001127510.3, NM_001354895.2); c.7459C>G, p.Arg2487Gly (NM_001127511.3); c.7438C>G, p.Arg2480Gly (NM_001354898.2); c.7429C>G, p.Arg2477Gly (NM_001354899.2); c.7567C>G, p.Arg2523Gly (NM_001354896.2); c.7543C>G, p.Arg2515Gly (NM_001354897.2); c.7390C>G, p.Arg2464Gly (NM_001354900.2); c.7336C>G, p.Arg2446Gly (NM_001354901.2); and 6 more; short protein forms R2487G, R2505G, R2414G, R2515G, R2222G, R2345G, R2379G, R2404G.
Identifiers: ClinVar variation 82635 (VCV000082635.23), dbSNP rs79630786, ClinGen allele CA013742.